The following is an entry in ClinVar:

NM_016642.4(SPTBN5):c.2047-2A>G

Gene: SPTBN5 (spectrin beta, non-erythrocytic 5; minus strand). Cytogenetic location: 15q15.1.
Variant type: single nucleotide variant.
Coding change: c.2047-2A>G on transcript NM_016642.4 (MANE Select); the canonical splice acceptor site of the intron before coding-DNA position 2047, A replaced by G.
Molecular consequence: splice acceptor variant.
Genome position (GRCh38, 1-based): chr15:41,882,471, T>C on the plus strand (A>G on the coding strand, the complement: SPTBN5 is on the minus strand). VCF-style: chr15-41882471-T-C. GRCh37 (hg19) VCF-style: chr15-42174669-T-C.
Identifiers: ClinVar variation 4981944 (VCV004981944.1).

ClinVar aggregate classification (germline): Uncertain significance (1 of 4 stars; one submission).

Conditions:
SPTBN5-related disorder. Also called: SPTBN5-related condition.

Submission:

PreventionGenetics, part of Exact Sciences
Classification: Uncertain significance for SPTBN5-related condition. Last evaluated: 2026-06-18. Review status: criteria provided, single submitter. Criteria: ACMG Guidelines, 2015. Collection method: clinical testing. Allele origin: germline.
Comment: The SPTBN5 c.2047-2A>G variant is predicted to disrupt the AG splice acceptor site and interfere with normal splicing. To our knowledge, this variant has not been reported in the literature or in a large population database (gnomAD), indicating this variant is rare. At this time, the clinical significance of this variant is uncertain due to the absence of conclusive functional and genetic evidence.